The following is an entry in ClinVar:

ClinVar aggregate classification (germline): Uncertain significance (1 of 4 stars; one submission).

Conditions:
Cholestanol storage disease (CTX). Also called: CEREBRAL CHOLESTERINOSIS; CTX: Cerebrotendinous xanthomatosis; Cerebrotendinous Xanthomatosis. Identifiers: Orphanet 909, MedGen C0238052, MONDO:0008948, OMIM 213700.

Allele frequency attached by ClinVar (database versions not stated): ExAC 0.00001; gnomAD exomes 0.00001.
gnomAD v4.1: 3 of 1,614,218 alleles (0.00019%); highest among the groups gnomAD compares: South Asian, 0.0033%; no homozygotes.

Submission:

Labcorp Genetics (formerly Invitae), Labcorp
Classification: Uncertain significance for Cholestanol storage disease. Last evaluated: 2022-12-06. Review status: criteria provided, single submitter. Criteria: Invitae Variant Classification Sherloc (09022015). Collection method: clinical testing. Allele origin: germline.
Comment: In summary, the available evidence is currently insufficient to determine the role of this variant in disease. Therefore, it has been classified as a Variant of Uncertain Significance. Advanced modeling of protein sequence and biophysical properties (such as structural, functional, and spatial information, amino acid conservation, physicochemical variation, residue mobility, and thermodynamic stability) performed at Invitae indicates that this missense variant is not expected to disrupt CYP27A1 protein function. This variant has not been reported in the literature in individuals affected with CYP27A1-related conditions. This variant is present in population databases (rs748020709, gnomAD 0.006%). This sequence change replaces isoleucine, which is neutral and non-polar, with serine, which is neutral and polar, at codon 460 of the CYP27A1 protein (p.Ile460Ser).

NM_000784.4(CYP27A1):c.1379T>G (p.Ile460Ser)

Gene: CYP27A1 (cytochrome P450 family 27 subfamily A member 1; plus strand). Cytogenetic location: 2q35.
Variant type: single nucleotide variant.
Coding change: c.1379T>G on transcript NM_000784.4 (MANE Select); coding-DNA position 1379, T replaced by G.
Protein change: p.Ile460Ser; replaces isoleucine 460 with serine.
Molecular consequence: missense variant.
Genome position (GRCh38, 1-based): chr2:218,814,660, T>G. VCF-style: chr2-218814660-T-G. GRCh37 (hg19) VCF-style: chr2-219679383-T-G.
Other names: short protein forms I460S.
Identifiers: ClinVar variation 2163009 (VCV002163009.2), dbSNP rs748020709, ClinGen allele CA2112884.